The following is an entry in ClinVar:

ClinVar aggregate classification (germline): Pathogenic (1 of 4 stars; one submission).

Conditions:
Combined malonic and methylmalonic acidemia. Identifiers: Orphanet 289504, MedGen C3280314, MONDO:0013661, OMIM 614265.

Submission:

Labcorp Genetics (formerly Invitae), Labcorp
Classification: Pathogenic for Combined malonic and methylmalonic acidemia. Last evaluated: 2020-10-19. Review status: criteria provided, single submitter. Criteria: Invitae Variant Classification Sherloc (09022015). Collection method: clinical testing. Allele origin: germline.
Comment: For these reasons, this variant has been classified as Pathogenic. This variant disrupts the C-terminus of the ACSF3 protein. Other variant(s) that disrupt this region (p.Gly470Profs*95) have been determined to be pathogenic (Invitae). This suggests that variants that disrupt this region of the protein are likely to be causative of disease. This variant has not been reported in the literature in individuals with ACSF3-related conditions. This variant is a gross deletion of the genomic region encompassing exon(s) 7-11 of the ACSF3 gene. The 5' boundary is likely confined to intron 6. The 3' end of this event is unknown as it extends through the termination codon beyond the assayed region for this gene and may encompass additional genes. While this deletion is not anticipated to lead to nonsense mediated decay, it is expected to alter mRNA translation or result in a truncated protein product.

NC_000016.9:g.(?_89187199)_(89222264_?)del

Gene: ACSF3 (acyl-CoA synthetase family member 3; plus strand). Cytogenetic location: 16q24.3.
Variant type: Deletion.
Identifiers: ClinVar variation 1072097 (VCV001072097.7).